The following is an entry in ClinVar:

ClinVar aggregate classification (germline): Uncertain significance (1 of 4 stars; one submission).

Allele frequency attached by ClinVar (database versions not stated): TOPMed 0.00001; ExAC 0.00002; gnomAD exomes 0.00002.
gnomAD v4.1: 11 of 1,614,160 alleles (0.00068%); highest among the groups gnomAD compares: Admixed American, 0.013%; no homozygotes.

Submission:

Labcorp Genetics (formerly Invitae), Labcorp
Classification: Uncertain significance. Last evaluated: 2023-11-25. Review status: criteria provided, single submitter. Criteria: Invitae Variant Classification Sherloc (09022015). Collection method: clinical testing. Allele origin: germline.
Comment: This sequence change replaces isoleucine, which is neutral and non-polar, with threonine, which is neutral and polar, at codon 1040 of the DNAH9 protein (p.Ile1040Thr). This variant is present in population databases (rs772202988, gnomAD 0.02%). This variant has not been reported in the literature in individuals affected with DNAH9-related conditions. Advanced modeling of protein sequence and biophysical properties (such as structural, functional, and spatial information, amino acid conservation, physicochemical variation, residue mobility, and thermodynamic stability) has been performed at Invitae for this missense variant, however the output from this modeling did not meet the statistical confidence thresholds required to predict the impact of this variant on DNAH9 protein function. In summary, the available evidence is currently insufficient to determine the role of this variant in disease. Therefore, it has been classified as a Variant of Uncertain Significance.

NM_001372.4(DNAH9):c.3119T>C (p.Ile1040Thr)

Genes: DNAH9 (dynein axonemal heavy chain 9; plus strand), LOC126862505 (BRD4-independent group 4 enhancer GRCh37_chr17:11572478-11573677; plus strand). Cytogenetic location: 17p12.
Variant type: single nucleotide variant.
Coding change: c.3119T>C on transcript NM_001372.4 (MANE Select); coding-DNA position 3119, T replaced by C.
Protein change: p.Ile1040Thr; replaces isoleucine 1040 with threonine.
Molecular consequence: missense variant.
Genome position (GRCh38, 1-based): chr17:11,669,560, T>C. VCF-style: chr17-11669560-T-C. GRCh37 (hg19) VCF-style: chr17-11572877-T-C.
Other names: short protein forms I1040T.
Identifiers: ClinVar variation 2997920 (VCV002997920.3), dbSNP rs772202988, ClinGen allele CA8395365.